The following is an entry in ClinVar:

NM_004336.5(BUB1):c.611A>C (p.Glu204Ala)

Gene: BUB1 (BUB1 mitotic checkpoint serine/threonine kinase; minus strand). Cytogenetic location: 2q13.
Variant type: single nucleotide variant.
Coding change: c.611A>C on transcript NM_004336.5 (MANE Select); coding-DNA position 611, A replaced by C.
Protein change: p.Glu204Ala; replaces glutamic acid 204 with alanine.
Molecular consequence: missense variant.
Genome position (GRCh38, 1-based): chr2:110,667,806, T>G on the plus strand (A>C on the coding strand, the complement: BUB1 is on the minus strand). VCF-style: chr2-110667806-T-G. GRCh37 (hg19) VCF-style: chr2-111425383-T-G.
Other names: c.551A>C, p.Glu184Ala (NM_001278616.2); c.611A>C, p.Glu204Ala (NM_001278617.2); short protein forms E184A, E204A.
Identifiers: ClinVar variation 2446970 (VCV002446970.2), dbSNP rs1015357039, ClinGen allele CA348218179.

ClinVar aggregate classification (germline): Uncertain significance (1 of 4 stars; one submission).

gnomAD v4.1: 1 of 1,613,406 alleles (0.000062%); no homozygotes.

Submission:

Ambry Genetics
Classification: Uncertain significance. Last evaluated: 2023-01-26. Review status: criteria provided, single submitter. Criteria: Ambry Variant Classification Scheme 2023. Collection method: clinical testing. Allele origin: germline.
Comment: The p.E204A variant (also known as c.611A>C), located in coding exon 7 of the BUB1 gene, results from an A to C substitution at nucleotide position 611. The glutamic acid at codon 204 is replaced by alanine, an amino acid with dissimilar properties. This amino acid position is conserved. In addition, this alteration is predicted to be tolerated by in silico analysis. Since supporting evidence is limited at this time, the clinical significance of this alteration remains unclear.